The following is an entry in ClinVar:

ClinVar aggregate classification (germline): Uncertain significance (1 of 4 stars; one submission).

Submission:

GeneDx
Classification: Uncertain significance. Last evaluated: 2023-07-21. Review status: criteria provided, single submitter. Criteria: GeneDx Variant Classification Process June 2021. Collection method: clinical testing. Allele origin: germline. Affected: yes.
Comment: Not observed at significant frequency in large population cohorts (gnomAD); In silico analysis supports that this missense variant has a deleterious effect on protein structure/function; Has not been previously published as pathogenic or benign to our knowledge

NM_012062.5(DNM1L):c.2049G>C (p.Gln683His)

Gene: DNM1L (dynamin 1 like; plus strand). Cytogenetic location: 12p11.21.
Variant type: single nucleotide variant.
Coding change: c.2049G>C on transcript NM_012062.5 (MANE Select); coding-DNA position 2049, G replaced by C.
Protein change: p.Gln683His; replaces glutamine 683 with histidine.
Molecular consequence: missense variant.
Genome position (GRCh38, 1-based): chr12:32,742,643, G>C. VCF-style: chr12-32742643-G-C. GRCh37 (hg19) VCF-style: chr12-32895577-G-C.
Other names: c.2016G>C, p.Gln672His (NM_001278463.2); c.2088G>C, p.Gln696His (NM_001278464.2); c.2055G>C, p.Gln685His (NM_001278465.2); c.1440G>C, p.Gln480His (NM_001278466.2); c.1977G>C, p.Gln659His (NM_001330380.2); c.1938G>C, p.Gln646His (NM_005690.5); c.1971G>C, p.Gln657His (NM_012063.4); short protein forms Q480H, Q646H, Q657H, Q659H, Q672H, Q683H, Q685H, Q696H.
Identifiers: ClinVar variation 3361214 (VCV003361214.1).